The following is an entry in ClinVar:

ClinVar aggregate classification (germline): Pathogenic (1 of 4 stars; one submission).

Conditions:
Familial cancer of breast. Also called: BREAST CANCER, FAMILIAL; hereditary breast carcinoma; Hereditary breast cancer. Identifiers: Orphanet 227535, MedGen C0346153, MONDO:0016419, OMIM 114480. Disease mechanism: loss of function.

Submission:

Labcorp Genetics (formerly Invitae), Labcorp
Classification: Pathogenic for Familial cancer of breast. Last evaluated: 2025-03-03. Review status: criteria provided, single submitter. Criteria: Invitae Variant Classification Sherloc (09022015). Collection method: clinical testing. Allele origin: germline.
Comment: This sequence change creates a premature translational stop signal (p.Gln150Serfs*27) in the PALB2 gene. It is expected to result in an absent or disrupted protein product. Loss-of-function variants in PALB2 are known to be pathogenic (PMID: 17200668, 17200671, 17200672, 24136930, 25099575). This variant is not present in population databases (gnomAD no frequency). This variant has not been reported in the literature in individuals affected with PALB2-related conditions. For these reasons, this variant has been classified as Pathogenic.

Literature cited by the submitters: PubMed 17200668; PubMed 17200671; PubMed 17200672; PubMed 24136930; PubMed 25099575.

NM_024675.4(PALB2):c.448del (p.Gln150fs)

Gene: PALB2 (partner and localizer of BRCA2; minus strand). Cytogenetic location: 16p12.2.
Variant type: Deletion.
Coding change: c.448del on transcript NM_024675.4 (MANE Select); coding-DNA position 448, one base deleted (C; older notation c.448delC).
Protein change: p.Gln150fs; shifts the reading frame from glutamine 150.
Molecular consequence: frameshift variant. On other transcripts: 5 prime UTR variant (8), intron variant (3).
Genome position (GRCh38, 1-based): chr16:23,636,098, G deleted on the plus strand (C on the coding strand, the reverse complement: PALB2 is on the minus strand). VCF-style (leftmost placement, unchanged base first): chr16-23636097-TG-T. GRCh37 (hg19) VCF-style: chr16-23647418-TG-T.
Other names: c.388del, p.Gln130fs (NM_001407296.1); c.448del, p.Gln150fs (NM_001407297.1, NM_001407298.1, NM_001407299.1 and 3 more transcripts); c.-438del (NM_001407304.1, NM_001407305.1, NM_001407306.1 and 5 more transcripts); c.48+5012del (NM_001407314.1); c.-105+5012del (NM_001407313.1, NM_001407312.1); short protein forms Q150fs, Q130fs.
Identifiers: ClinVar variation 4694088 (VCV004694088.1).